The following is an entry in ClinVar:

ClinVar aggregate classification (germline): Uncertain significance (1 of 4 stars; one submission).

gnomAD v4.1: 1 of 741,486 alleles (0.00013%); highest among the groups gnomAD compares: Non-Finnish European, 0.00016%; no homozygotes.

Submission:

Labcorp Genetics (formerly Invitae), Labcorp
Classification: Uncertain significance. Last evaluated: 2024-05-28. Review status: criteria provided, single submitter. Criteria: Invitae Variant Classification Sherloc (09022015). Collection method: clinical testing. Allele origin: germline.
Comment: This sequence change replaces glycine, which is neutral and non-polar, with valine, which is neutral and non-polar, at codon 136 of the MNX1 protein (p.Gly136Val). The frequency data for this variant in the population databases is considered unreliable, as metrics indicate insufficient coverage at this position in the gnomAD database. This variant has not been reported in the literature in individuals affected with MNX1-related conditions. Advanced modeling of protein sequence and biophysical properties (such as structural, functional, and spatial information, amino acid conservation, physicochemical variation, residue mobility, and thermodynamic stability) performed at Invitae indicates that this missense variant is not expected to disrupt MNX1 protein function with a negative predictive value of 80%. In summary, the available evidence is currently insufficient to determine the role of this variant in disease. Therefore, it has been classified as a Variant of Uncertain Significance.

NM_005515.4(MNX1):c.407G>T (p.Gly136Val)

Genes: MNX1 (motor neuron and pancreas homeobox 1; minus strand), LOC129999736 (ATAC-STARR-seq lymphoblastoid silent region 18858; plus strand). Cytogenetic location: 7q36.3.
Variant type: single nucleotide variant.
Coding change: c.407G>T on transcript NM_005515.4 (MANE Select); coding-DNA position 407, G replaced by T.
Protein change: p.Gly136Val; replaces glycine 136 with valine.
Molecular consequence: missense variant.
Genome position (GRCh38, 1-based): chr7:157,009,944, C>A on the plus strand (G>T on the coding strand, the complement: MNX1 is on the minus strand). VCF-style: chr7-157009944-C-A. GRCh37 (hg19) VCF-style: chr7-156802638-C-A.
Other names: short protein forms G136V.
Identifiers: ClinVar variation 3654969 (VCV003654969.2).
Genomic context (GRCh38, chr7:157,009,944, plus strand): 5'-GCCTGCGCCGGGAGGCCCGCGCCGCCCTGCGCGCCCCCAGGGTGCAGCCCCAGCGCCAGG[C>A]CCCCAGCGGCGGCGGCGGCGGCGGCGGCGGCGGCAGCGGCCGCTGCGCCCGGATGCGCGT-3'
Protein context (NP_005506.3, residues 126-146): AAAAAAAAAG[Gly136Val]LALGLHPGGA